The following is an entry in ClinVar:

NM_014727.3(KMT2B):c.5132A>G (p.Glu1711Gly)

Gene: KMT2B (lysine methyltransferase 2B; plus strand). Cytogenetic location: 19q13.12.
Variant type: single nucleotide variant.
Coding change: c.5132A>G on transcript NM_014727.3 (MANE Select); coding-DNA position 5132, A replaced by G.
Protein change: p.Glu1711Gly; replaces glutamic acid 1711 with glycine.
Molecular consequence: missense variant.
Genome position (GRCh38, 1-based): chr19:35,730,397, A>G. VCF-style: chr19-35730397-A-G. GRCh37 (hg19) VCF-style: chr19-36221298-A-G.
Other names: short protein forms E1711G.
Identifiers: ClinVar variation 2772543 (VCV002772543.3), dbSNP rs2513345900, ClinGen allele CA405419576.

ClinVar aggregate classification (germline): Uncertain significance (1 of 4 stars; one submission).

Submission:

Labcorp Genetics (formerly Invitae), Labcorp
Classification: Uncertain significance. Last evaluated: 2023-06-05. Review status: criteria provided, single submitter. Criteria: Invitae Variant Classification Sherloc (09022015). Collection method: clinical testing. Allele origin: germline.
Comment: This sequence change replaces glutamic acid, which is acidic and polar, with glycine, which is neutral and non-polar, at codon 1711 of the KMT2B protein (p.Glu1711Gly). This variant is not present in population databases (gnomAD no frequency). This variant has not been reported in the literature in individuals affected with KMT2B-related conditions. Advanced modeling of protein sequence and biophysical properties (such as structural, functional, and spatial information, amino acid conservation, physicochemical variation, residue mobility, and thermodynamic stability) has been performed at Invitae for this missense variant, however the output from this modeling did not meet the statistical confidence thresholds required to predict the impact of this variant on KMT2B protein function. In summary, the available evidence is currently insufficient to determine the role of this variant in disease. Therefore, it has been classified as a Variant of Uncertain Significance.